The following is an entry in ClinVar:

ClinVar aggregate classification (germline): Uncertain significance (1 of 4 stars; one submission).

Conditions:
COL7A1-related disorder. Also called: COL7A1- related disorders; COL7A1-related condition.

gnomAD v4.1: 1 of 1,601,934 alleles (0.000062%); highest among the groups gnomAD compares: Admixed American, 0.0017%; no homozygotes.

Submission:

PreventionGenetics, part of Exact Sciences
Classification: Uncertain significance for COL7A1-related condition. Last evaluated: 2025-09-23. Review status: criteria provided, single submitter. Criteria: ACMG Guidelines, 2015. Collection method: clinical testing. Allele origin: germline.
Comment: The COL7A1 c.8396G>A variant is predicted to result in the amino acid substitution p.Ser2799Asn. To our knowledge, this variant has not been reported in the literature or in a large population database (gnomAD), indicating this variant is rare. At this time, the clinical significance of this variant is uncertain due to the absence of conclusive functional and genetic evidence.

NM_000094.4(COL7A1):c.8396G>A (p.Ser2799Asn)

Gene: COL7A1 (collagen type VII alpha 1 chain; minus strand). Cytogenetic location: 3p21.31.
Variant type: single nucleotide variant.
Coding change: c.8396G>A on transcript NM_000094.4 (MANE Select); coding-DNA position 8396, G replaced by A.
Protein change: p.Ser2799Asn; replaces serine 2799 with asparagine.
Molecular consequence: missense variant.
Genome position (GRCh38, 1-based): chr3:48,566,278, C>T on the plus strand (G>A on the coding strand, the complement: COL7A1 is on the minus strand). VCF-style: chr3-48566278-C-T. GRCh37 (hg19) VCF-style: chr3-48603711-C-T.
Other names: short protein forms S2799N.
Identifiers: ClinVar variation 4977788 (VCV004977788.1).